The following is an entry in ClinVar:

NM_000503.6(EYA1):c.206T>C (p.Ile69Thr)

Gene: EYA1 (EYA transcriptional coactivator and phosphatase 1; minus strand). Cytogenetic location: 8q13.3.
Variant type: single nucleotide variant.
Coding change: c.206T>C on transcript NM_000503.6 (MANE Select); coding-DNA position 206, T replaced by C.
Protein change: p.Ile69Thr; replaces isoleucine 69 with threonine.
Molecular consequence: missense variant. On other transcripts: 5 prime UTR variant (1).
Genome position (GRCh38, 1-based): chr8:71,322,265, A>G on the plus strand (T>C on the coding strand, the complement: EYA1 is on the minus strand). VCF-style: chr8-71322265-A-G. GRCh37 (hg19) VCF-style: chr8-72234500-A-G.
Other names: c.206T>C (NM_000503.4); c.206T>C, p.Ile69Thr (NM_001288574.2, NM_001370334.1, NM_001370335.1 and 1 more transcripts); c.-79T>C (NM_001288575.2); c.293T>C, p.Ile98Thr (NM_001370333.1, NM_001370336.1, NM_172059.5); c.107T>C, p.Ile36Thr (NM_001411797.1, NM_172060.4); short protein forms I69T, I36T, I98T.
Identifiers: ClinVar variation 2907611 (VCV002907611.4), dbSNP rs371059560, ClinGen allele CA4779849.

ClinVar aggregate classification (germline): Uncertain significance. Review status: criteria provided, multiple submitters, no conflicts (2 of 4 stars). 2 submissions from 2 submitters: Uncertain significance (2). Last evaluated 2024-09-18.

Conditions:
Melnick-Fraser syndrome (BOR). Also called: Branchiootorenal syndrome; Branchiootorenal Syndrome (BORS); Branchio-oto-renal syndrome. Identifiers: Orphanet 107, MedGen C0265234, MONDO:0007029.
Inborn genetic diseases. Identifiers: MedGen C0950123, MeSH D030342.

Allele frequency attached by ClinVar (database versions not stated): ExAC 0.00001; gnomAD exomes 0.00001; TOPMed 0.00003; gnomAD 0.00004; ESP Exome Variant Server 0.00008.
gnomAD v4.1: 15 of 1,613,642 alleles (0.00093%); highest among the groups gnomAD compares: African/African-American, 0.011%; no homozygotes.

Submissions (2):

Ambry Genetics
Classification: Uncertain significance for Inborn genetic diseases. Last evaluated: 2024-09-18. Review status: criteria provided, single submitter. Criteria: Ambry Variant Classification Scheme 2023. Collection method: clinical testing. Allele origin: germline.

Labcorp Genetics (formerly Invitae), Labcorp
Classification: Uncertain significance for Melnick-Fraser syndrome. Last evaluated: 2023-11-06. Review status: criteria provided, single submitter. Criteria: Invitae Variant Classification Sherloc (09022015). Collection method: clinical testing. Allele origin: germline.
Comment: This sequence change replaces isoleucine, which is neutral and non-polar, with threonine, which is neutral and polar, at codon 69 of the EYA1 protein (p.Ile69Thr). This variant is present in population databases (rs371059560, gnomAD 0.007%). This variant has not been reported in the literature in individuals affected with EYA1-related conditions. Advanced modeling of protein sequence and biophysical properties (such as structural, functional, and spatial information, amino acid conservation, physicochemical variation, residue mobility, and thermodynamic stability) performed at Invitae indicates that this missense variant is not expected to disrupt EYA1 protein function with a negative predictive value of 80%. In summary, the available evidence is currently insufficient to determine the role of this variant in disease. Therefore, it has been classified as a Variant of Uncertain Significance.